The following is an entry in ClinVar:

ClinVar aggregate classification (germline): Uncertain significance (1 of 4 stars; one submission).

Conditions:
POLD1-related polyposis and colorectal cancer syndrome (CRCS10). Also called: Colorectal cancer 10; COLORECTAL CANCER, SUSCEPTIBILITY TO, ON CHROMOSOME 19q; Colorectal cancer, susceptibility to, 10. Identifiers: Orphanet 220460, MedGen C2675481, MONDO:0012953, OMIM 612591.

Submission:

Labcorp Genetics (formerly Invitae), Labcorp
Classification: Uncertain significance for POLD1-related polyposis and colorectal cancer syndrome. Last evaluated: 2020-01-25. Review status: criteria provided, single submitter. Criteria: Invitae Variant Classification Sherloc (09022015). Collection method: clinical testing. Allele origin: germline.
Comment: This sequence change replaces glycine with cysteine at codon 120 of the POLD1 protein (p.Gly120Cys). The glycine residue is weakly conserved and there is a large physicochemical difference between glycine and cysteine. This variant is not present in population databases (ExAC no frequency). This variant has not been reported in the literature in individuals with POLD1-related conditions. Algorithms developed to predict the effect of missense changes on protein structure and function are either unavailable or do not agree on the potential impact of this missense change (SIFT: "Deleterious"; PolyPhen-2: "Possibly Damaging"; Align-GVGD: "Class C0"). In summary, the available evidence is currently insufficient to determine the role of this variant in disease. Therefore, it has been classified as a Variant of Uncertain Significance.

NM_002691.4(POLD1):c.358G>T (p.Gly120Cys)

Gene: POLD1 (DNA polymerase delta 1, catalytic subunit; plus strand). Cytogenetic location: 19q13.33.
Variant type: single nucleotide variant.
Coding change: c.358G>T on transcript NM_002691.4 (MANE Select); coding-DNA position 358, G replaced by T.
Protein change: p.Gly120Cys; replaces glycine 120 with cysteine.
Molecular consequence: missense variant. On other transcripts: non-coding transcript variant (1).
Genome position (GRCh38, 1-based): chr19:50,401,819, G>T. VCF-style: chr19-50401819-G-T. GRCh37 (hg19) VCF-style: chr19-50905076-G-T.
Other names: c.358G>T, p.Gly120Cys (NM_001256849.1, NM_001308632.1); short protein forms G120C.
Identifiers: ClinVar variation 1047384 (VCV001047384.9), dbSNP rs746234949, ClinGen allele CA406972232.